The following is an entry in ClinVar:

ClinVar aggregate classification (germline): Uncertain significance. Review status: criteria provided, multiple submitters, no conflicts (2 of 4 stars). 2 submissions from 2 submitters: Uncertain significance (2). Last evaluated 2025-06-09.

Conditions:
Inborn genetic diseases. Identifiers: MedGen C0950123, MeSH D030342.

Allele frequency attached by ClinVar (database versions not stated): gnomAD exomes below 0.00001.
gnomAD v4.1: 6 of 1,614,138 alleles (0.00037%); highest among the groups gnomAD compares: Non-Finnish European, 0.00051%; no homozygotes.

Submissions (2):

Labcorp Genetics (formerly Invitae), Labcorp
Classification: Uncertain significance. Last evaluated: 2025-06-09. Review status: criteria provided, single submitter. Criteria: Invitae Variant Classification Sherloc (09022015). Collection method: clinical testing. Allele origin: germline.
Comment: This sequence change replaces proline, which is neutral and non-polar, with leucine, which is neutral and non-polar, at codon 1453 of the NLRP1 protein (p.Pro1453Leu). This variant is present in population databases (no rsID available, gnomAD 0.0009%). This variant has not been reported in the literature in individuals affected with NLRP1-related conditions. ClinVar contains an entry for this variant (Variation ID: 2828438). An algorithm developed to predict the effect of missense changes on protein structure and function (PolyPhen-2) suggests that this variant is likely to be disruptive. In summary, the available evidence is currently insufficient to determine the role of this variant in disease. Therefore, it has been classified as a Variant of Uncertain Significance.

Ambry Genetics
Classification: Uncertain significance for Inborn genetic diseases. Last evaluated: 2025-04-17. Review status: criteria provided, single submitter. Criteria: Ambry Variant Classification Scheme 2023. Collection method: clinical testing. Allele origin: germline.

NM_033004.4(NLRP1):c.4358C>T (p.Pro1453Leu)

Gene: NLRP1 (NLR family pyrin domain containing 1; minus strand). Cytogenetic location: 17p13.2.
Variant type: single nucleotide variant.
Coding change: c.4358C>T on transcript NM_033004.4 (MANE Select); coding-DNA position 4358, C replaced by T.
Protein change: p.Pro1453Leu; replaces proline 1453 with leucine.
Molecular consequence: missense variant. On other transcripts: intron variant (1).
Genome position (GRCh38, 1-based): chr17:5,514,818, G>A on the plus strand (C>T on the coding strand, the complement: NLRP1 is on the minus strand). VCF-style: chr17-5514818-G-A. GRCh37 (hg19) VCF-style: chr17-5418138-G-A.
Other names: c.4226C>T, p.Pro1409Leu (NM_014922.5); c.4268C>T, p.Pro1423Leu (NM_033006.4); c.4136C>T, p.Pro1379Leu (NM_033007.4); c.4069+2928C>T (NM_001033053.3); c.4358C>T (NM_033004.3); short protein forms P1409L, P1423L, P1379L, P1453L.
Identifiers: ClinVar variation 2828438 (VCV002828438.4), dbSNP rs960340837, ClinGen allele CA287273481.